The following is an entry in ClinVar:

NM_000562.3(C8A):c.458C>T (p.Ala153Val)

Gene: C8A (complement C8 alpha chain; plus strand). Cytogenetic location: 1p32.2.
Variant type: single nucleotide variant.
Coding change: c.458C>T on transcript NM_000562.3 (MANE Select); coding-DNA position 458, C replaced by T.
Protein change: p.Ala153Val; replaces alanine 153 with valine.
Molecular consequence: missense variant.
Genome position (GRCh38, 1-based): chr1:56,876,203, C>T. VCF-style: chr1-56876203-C-T. GRCh37 (hg19) VCF-style: chr1-57341876-C-T.
Other names: short protein forms A153V.
Identifiers: ClinVar variation 1500990 (VCV001500990.5), dbSNP rs751915075, ClinGen allele CA875031.
Genomic context (GRCh38, chr1:56,876,203, plus strand): 5'-TCAGGGCCATTGACGAAGACTGCAGCCAGTATGAACCAATTCCAGGATCACAGAAGGCAG[C>T]CTTGGGGTGAGGCCCTGCCTACTAGCTATTTAGGAGCAGGGAATGATTTGTCTTCAATCG-3'
Protein context (NP_000553.1, residues 143-163): YEPIPGSQKA[Ala153Val]LGYNILTQED

ClinVar aggregate classification (germline): Uncertain significance (1 of 4 stars; one submission).

Allele frequency attached by ClinVar (database versions not stated): ExAC 0.00001; gnomAD exomes 0.00001 and 0.00002.
gnomAD v4.1: 8 of 1,613,752 alleles (0.0005%); highest among the groups gnomAD compares: Admixed American, 0.01%; no homozygotes.

Submission:

Labcorp Genetics (formerly Invitae), Labcorp
Classification: Uncertain significance. Last evaluated: 2024-10-24. Review status: criteria provided, single submitter. Criteria: Invitae Variant Classification Sherloc (09022015). Collection method: clinical testing. Allele origin: germline.
Comment: This sequence change replaces alanine, which is neutral and non-polar, with valine, which is neutral and non-polar, at codon 153 of the C8A protein (p.Ala153Val). This variant is present in population databases (rs751915075, gnomAD 0.009%). This variant has not been reported in the literature in individuals affected with C8A-related conditions. ClinVar contains an entry for this variant (Variation ID: 1500990). An algorithm developed to predict the effect of missense changes on protein structure and function (PolyPhen-2) suggests that this variant is likely to be tolerated. In summary, the available evidence is currently insufficient to determine the role of this variant in disease. Therefore, it has been classified as a Variant of Uncertain Significance.